The following is an entry in ClinVar:

NM_004168.4(SDHA):c.1055G>A (p.Arg352Gln)

Gene: SDHA (succinate dehydrogenase complex flavoprotein subunit A; plus strand). Cytogenetic location: 5p15.33.
Variant type: single nucleotide variant.
Coding change: c.1055G>A on transcript NM_004168.4 (MANE Select); coding-DNA position 1055, G replaced by A.
Protein change: p.Arg352Gln; replaces arginine 352 with glutamine.
Molecular consequence: missense variant.
Genome position (GRCh38, 1-based): chr5:233,636, G>A. VCF-style: chr5-233636-G-A. GRCh37 (hg19) VCF-style: chr5-233751-G-A.
Other names: c.911G>A, p.Arg304Gln (NM_001294332.2); c.1055G>A, p.Arg352Gln (NM_001330758.2); short protein forms R352Q, R304Q.
Identifiers: ClinVar variation 371975 (VCV000371975.43), dbSNP rs199844384, ClinGen allele CA3173073.

ClinVar aggregate classification (germline): Conflicting classifications of pathogenicity. Review status: criteria provided, conflicting classifications (1 of 4 stars). 17 submissions from 14 submitters: Uncertain significance (13); Benign (1); Likely benign (1). 2 of the submissions do not count toward it. Last evaluated 2026-05-20.

Conditions:
Mitochondrial complex II deficiency, nuclear type 1. Also called: SUCCINATE CoQ REDUCTASE DEFICIENCY. Identifiers: Orphanet 3208, MedGen C5700310, MONDO:0100294, OMIM 252011.
Pheochromocytoma/paraganglioma syndrome 5. Also called: SDHA-Related Hereditary Paraganglioma-Pheochromocytoma Syndrome; Paragangliomas 5. Identifiers: Orphanet 29072, MedGen C3279992, MONDO:0013602, OMIM 614165.
Dilated cardiomyopathy 1GG (CMD1GG). Identifiers: Orphanet 154, MedGen C3150898, MONDO:0013339, OMIM 613642.
SDHA-related disorder. Also called: SDHA-related disorders; SDHA-related condition.
Leigh syndrome (NULS). Also called: Leigh Disease; Leigh Syndrome (mtDNA deletion); Leigh's necrotizing encephalopathy; Leigh's disease; Leigh's syndrome; LEIGH SYNDROME, NUCLEAR. Identifiers: Orphanet 506, MedGen C2931891, MONDO:0009723, OMIM 256000.
Neurodegeneration with ataxia and late-onset optic atrophy. Identifiers: MedGen C5543254, MONDO:0031006, OMIM 619259.
Hereditary cancer-predisposing syndrome. Also called: Hereditary neoplastic syndrome; Neoplastic Syndromes, Hereditary; Hereditary Cancer Syndrome; Tumor predisposition. Identifiers: Orphanet 140162, MedGen C0027672, MeSH D009386, MONDO:0015356.
Hereditary pheochromocytoma and paraganglioma. Also called: Hereditary Paraganglioma-Pheochromocytoma Syndromes; Hereditary pheochromocytoma-paraganglioma; Hereditary paragangliomas and pheochromocytomas. Identifiers: Orphanet 29072, MedGen C4274332, MONDO:0017366.

Allele frequency attached by ClinVar (database versions not stated): ExAC 0.00007; ESP Exome Variant Server 0.00008; gnomAD 0.00008 and 0.00009; TOPMed 0.00008; gnomAD exomes 0.00010 and 0.00018.
gnomAD v4.1: 264 of 1,613,846 alleles (0.016%); highest among the groups gnomAD compares: Non-Finnish European, 0.022%; no homozygotes.

Submissions (17):

PreventionGenetics, part of Exact Sciences
Classification: Uncertain significance for SDHA-related condition. Last evaluated: 2026-05-20. Review status: criteria provided, single submitter. Criteria: ACMG Guidelines, 2015. Collection method: clinical testing. Allele origin: germline.
Comment: The SDHA c.1055G>A variant is predicted to result in the amino acid substitution p.Arg352Gln. To our knowledge, this variant has not been reported in the literature. This variant is reported in 0.019% of alleles in individuals of European (Non-Finnish) descent in gnomAD and has conflicting interpretations of pathogenicity in ClinVar ranging from benign to uncertain (Variation ID: 371975). At this time, the clinical significance of this variant is uncertain due to the absence of conclusive functional and genetic evidence.

Dasa
Classification: Uncertain significance. Last evaluated: 2026-02-03. Review status: criteria provided, single submitter. Criteria: DASA Assertion Criteria. Collection method: clinical testing. Allele origin: germline.
Comment: NM_004168.4(SDHA):c.1055G>A (p.Arg352Gln) is a missense variant that results in the substitution of arginine with glutamine. This variant is rare in population databases. The currently available literature and clinical evidence are not sufficient to establish a definitive association between this variant and the reported condition. Therefore, this variant is classified as a variant of uncertain significance.

Labcorp Genetics (formerly Invitae), Labcorp
Classification: Uncertain significance for Pheochromocytoma/paraganglioma syndrome 5; Mitochondrial complex II deficiency, nuclear type 1. Last evaluated: 2026-02-02. Review status: criteria provided, single submitter. Criteria: Invitae Variant Classification Sherloc (09022015). Collection method: clinical testing. Allele origin: germline.
Comment: This sequence change replaces arginine, which is basic and polar, with glutamine, which is neutral and polar, at codon 352 of the SDHA protein (p.Arg352Gln). This variant is present in population databases (rs199844384, gnomAD 0.02%). This variant has not been reported in the literature in individuals affected with SDHA-related conditions. ClinVar contains an entry for this variant (Variation ID: 371975). Invitae Evidence Modeling of protein sequence and biophysical properties (such as structural, functional, and spatial information, amino acid conservation, physicochemical variation, residue mobility, and thermodynamic stability) indicates that this missense variant is not expected to disrupt SDHA protein function with a negative predictive value of 95%. In summary, the available evidence is currently insufficient to determine the role of this variant in disease. Therefore, it has been classified as a Variant of Uncertain Significance.

GeneDx
Classification: Uncertain significance. Last evaluated: 2025-07-21. Review status: criteria provided, single submitter. Criteria: GeneDx Variant Classification Process June 2021. Collection method: clinical testing. Allele origin: germline. Affected: yes.
Comment: Has not been previously published as pathogenic or benign to our knowledge; In silico analysis suggests that this missense variant does not alter protein structure/function

Ambry Genetics
Classification: Uncertain significance for Hereditary cancer-predisposing syndrome. Last evaluated: 2025-05-22. Review status: criteria provided, single submitter. Criteria: Ambry Variant Classification Scheme 2023. Collection method: clinical testing. Allele origin: germline.
Comment: The p.R352Q variant (also known as c.1055G>A), located in coding exon 8 of the SDHA gene, results from a G to A substitution at nucleotide position 1055. The arginine at codon 352 is replaced by glutamine, an amino acid with highly similar properties. This amino acid position is highly conserved in available vertebrate species. In addition, the in silico prediction for this alteration is inconclusive. Since supporting evidence is limited at this time, the clinical significance of this alteration remains unclear.

ARUP Laboratories, Molecular Genetics and Genomics, ARUP Laboratories
Classification: Uncertain significance. Last evaluated: 2024-04-01. Review status: criteria provided, single submitter. Criteria: ARUP Molecular Germline Variant Investigation Process 2024. Collection method: clinical testing. Allele origin: germline.
Comment: The SDHA c.1055G>A; p.Arg352Gln variant (rs199844384), to our knowledge, is not reported in the medical literature but is reported in ClinVar (Variation ID: 371975). This variant is found in the non-Finnish European population with an allele frequency of 0.019% (24/129114 alleles) in the Genome Aggregation Database (v2.1.1). Computational analyses are uncertain whether this variant is neutral or deleterious (REVEL: 0.477). Due to limited information, the clinical significance of this variant is uncertain at this time.

Baylor Genetics
Classification: Uncertain significance for Dilated cardiomyopathy 1GG. Last evaluated: 2024-03-25. Review status: criteria provided, single submitter. Criteria: ACMG Guidelines, 2015. Collection method: clinical testing. Allele origin: unknown.

Fulgent Genetics
Classification: Uncertain significance for Mitochondrial complex II deficiency, nuclear type 1; Dilated cardiomyopathy 1GG; Pheochromocytoma/paraganglioma syndrome 5; Neurodegeneration with ataxia and late-onset optic atrophy. Last evaluated: 2024-02-23. Review status: criteria provided, single submitter. Criteria: ACMG Guidelines, 2015. Collection method: clinical testing. Allele origin: germline.

Myriad Genetics, Inc.
Classification: Uncertain significance for Pheochromocytoma/paraganglioma syndrome 5. Last evaluated: 2023-04-21. Review status: criteria provided, single submitter. Criteria: Myriad Autosomal Dominant, Autosomal Recessive and X-Linked Classification Criteria (2023). Collection method: clinical testing. Allele origin: unknown.
Comment: This variant is classified as a variant of uncertain significance as there is insufficient evidence to determine its impact on protein function and/or cancer risk.

Department of Pathology and Laboratory Medicine, Sinai Health System
Classification: Uncertain significance for Mitochondrial complex II deficiency, nuclear type 1; Dilated cardiomyopathy 1GG; Pheochromocytoma/paraganglioma syndrome 5; Neurodegeneration with ataxia and late-onset optic atrophy. Last evaluated: 2022-06-21. Review status: criteria provided, single submitter. Criteria: ACMG Guidelines, 2015. Collection method: clinical testing. Allele origin: germline. Affected: yes.

Sema4
Classification: Likely benign for Hereditary cancer-predisposing syndrome. Last evaluated: 2021-06-30. Review status: criteria provided, single submitter. Criteria: Sema4 Curation Guidelines. Collection method: curation. Allele origin: germline.

Fulgent Genetics
Classification: Uncertain significance for Mitochondrial complex II deficiency, nuclear type 1; Leigh syndrome; Dilated cardiomyopathy 1GG; Pheochromocytoma/paraganglioma syndrome 5. Last evaluated: 2018-10-31. Review status: criteria provided, single submitter. Criteria: ACMG Guidelines, 2015. Collection method: clinical testing. Allele origin: unknown.

Illumina Laboratory Services, Illumina
Classification: Benign for Hereditary Paraganglioma-Pheochromocytoma Syndromes. Last evaluated: 2017-04-27. Review status: criteria provided, single submitter. Criteria: ICSL Variant Classification Criteria 13 December 2019. Collection method: clinical testing. Allele origin: germline.
Comment: This variant was observed as part of a predisposition screen in an ostensibly healthy population. A literature search was performed for the gene, cDNA change, and amino acid change (where applicable). No publications were found based on this search. Allele frequency data from public databases was too high to be consistent with this variant causing disease. Therefore, this variant is classified as benign.

Illumina Laboratory Services, Illumina
Classification: Uncertain significance for Leigh syndrome. Last evaluated: 2017-04-27. Review status: criteria provided, single submitter. Criteria: ICSL Variant Classification Criteria 13 December 2019. Collection method: clinical testing. Allele origin: germline.

Illumina Laboratory Services, Illumina
Classification: Uncertain significance for Mitochondrial complex II deficiency, nuclear type 1. Last evaluated: 2017-04-27. Review status: criteria provided, single submitter. Criteria: ICSL Variant Classification Criteria 13 December 2019. Collection method: clinical testing. Allele origin: germline.

University of Washington Department of Laboratory Medicine, University of Washington
Classification: Likely benign for Paragangliomas 5. Last evaluated: 2019-03-01. Review status: no assertion criteria provided. Collection method: research. Allele origin: paternal. Affected: no. Not counted in ClinVar's aggregate classification.
Comment: Computer software programs (SIFT, Polyphen-2, Align-GVGD) have conflicting predictions as to the effect of this variant. Cosegregation analysis of one family showed a likelihood ratio of 0.0015:1 that this variant is causing SDHA-related cancer (using the Thompson et al. cosegregation method [PMID 12900794] with calculator). Bayesian analysis integrating all of this data (PMID: 29300386) gives less than 1% probability of pathogenicity, which is consistent with a classification of benign. This variant is not predicted to alter SDHA function or modify cancer risk. This analysis was performed in conjunction with the family studies as part of the University of Washington Find My Variant study.

Counsyl
Classification: Uncertain significance for Pheochromocytoma/paraganglioma syndrome 5. Last evaluated: 2016-09-20. Review status: no assertion criteria provided. Collection method: clinical testing. Allele origin: unknown. Not counted in ClinVar's aggregate classification.